The following is an entry in ClinVar:

ClinVar aggregate classification (germline): Likely benign (0 of 4 stars; one submission).

Conditions:
CAPN15-related disorder. Also called: CAPN15-related condition.

Allele frequency attached by ClinVar (database versions not stated): gnomAD 0.00013; TOPMed 0.00013; ExAC 0.00014; 1000 Genomes Project 0.00060; 1000 Genomes Project 30x 0.00078.
gnomAD v4.1: 152 of 1,547,762 alleles (0.0098%); highest among the groups gnomAD compares: Admixed American, 0.065%; no homozygotes.

Submission:

PreventionGenetics, part of Exact Sciences
Classification: Likely benign for CAPN15-related condition. Last evaluated: 2019-10-28. Review status: no assertion criteria provided. Collection method: clinical testing. Allele origin: germline.
Comment: This variant is classified as likely benign based on ACMG/AMP sequence variant interpretation guidelines (Richards et al. 2015 PMID: 25741868, with internal and published modifications).

NM_005632.3(CAPN15):c.2430C>T (p.Ser810=)

Gene: CAPN15 (calpain 15; plus strand). Cytogenetic location: 16p13.3.
Variant type: single nucleotide variant.
Coding change: c.2430C>T on transcript NM_005632.3 (MANE Select); coding-DNA position 2430, C replaced by T.
Protein change: p.Ser810=; no amino-acid change (serine 810 retained).
Molecular consequence: synonymous variant.
Genome position (GRCh38, 1-based): chr16:552,135, C>T. VCF-style: chr16-552135-C-T. GRCh37 (hg19) VCF-style: chr16-602135-C-T.
Identifiers: ClinVar variation 3045292 (VCV003045292.2), dbSNP rs563788260, ClinGen allele CA7778748.
Genomic context (GRCh38, chr16:552,135, plus strand): 5'-TAAGGTGCACTCGGACTGGCAGGAGGCGCGGGTGCAGGGCTGCTTTCCCAGCTCGGCCAG[C>T]GCGCCCGTGGGGGTAACAGCGCTCACGGTGCTGGAGCGGGCCTCGCTGGAGTTCGCGCTC-3'
Protein context (NP_005623.1, residues 800-820): RVQGCFPSSA[Ser810=]APVGVTALTV